The following is an entry in ClinVar:

NM_000429.3(MAT1A):c.822G>T (p.Trp274Cys)

Gene: MAT1A (methionine adenosyltransferase 1A; minus strand). Cytogenetic location: 10q22.3.
Variant type: single nucleotide variant.
Coding change: c.822G>T on transcript NM_000429.3 (MANE Select); coding-DNA position 822, G replaced by T.
Protein change: p.Trp274Cys; replaces tryptophan 274 with cysteine.
Molecular consequence: missense variant.
Genome position (GRCh38, 1-based): chr10:80,275,146, C>A on the plus strand (G>T on the coding strand, the complement: MAT1A is on the minus strand). VCF-style: chr10-80275146-C-A. GRCh37 (hg19) VCF-style: chr10-82034902-C-A.
Other names: short protein forms W274C.
Identifiers: ClinVar variation 661199 (VCV000661199.9), dbSNP rs1366915768, ClinGen allele CA377360806.

ClinVar aggregate classification (germline): Uncertain significance (1 of 4 stars; one submission).

Conditions:
Hepatic methionine adenosyltransferase deficiency. Also called: Isolated Persistent Hypermethioninemia; MAT I/III DEFICIENCY; Methionine adenosyltransferase deficiency; Deficiency of methionine adenosyltransferase. Identifiers: Orphanet 168598, MedGen C0268621, MeSH C564683, MONDO:0009607, OMIM 250850.

Allele frequency attached by ClinVar (database versions not stated): gnomAD exomes below 0.00001.
gnomAD v4.1: 1 of 1,613,336 alleles (0.000062%); highest among the groups gnomAD compares: Non-Finnish European, 0.000085%; no homozygotes.

Submission:

Labcorp Genetics (formerly Invitae), Labcorp
Classification: Uncertain significance for Hepatic methionine adenosyltransferase deficiency. Last evaluated: 2018-08-26. Review status: criteria provided, single submitter. Criteria: Invitae Variant Classification Sherloc (09022015). Collection method: clinical testing. Allele origin: germline.
Comment: In summary, the available evidence is currently insufficient to determine the role of this variant in disease. Therefore, it has been classified as a Variant of Uncertain Significance. Algorithms developed to predict the effect of missense changes on protein structure and function are either unavailable or do not agree on the potential impact of this missense change (SIFT: "Deleterious"; PolyPhen-2: "Probably Damaging"; Align-GVGD: "Class C15"). This variant has not been reported in the literature in individuals with MAT1A-related disease. This variant is not present in population databases (ExAC no frequency). This sequence change replaces tryptophan with cysteine at codon 274 of the MAT1A protein (p.Trp274Cys). The tryptophan residue is highly conserved and there is a large physicochemical difference between tryptophan and cysteine.